The following is an entry in ClinVar:

NM_004100.5(EYA4):c.987G>T (p.Met329Ile)

Gene: EYA4 (EYA transcriptional coactivator and phosphatase 4; plus strand). Cytogenetic location: 6q23.2.
Variant type: single nucleotide variant.
Coding change: c.987G>T on transcript NM_004100.5 (MANE Select); coding-DNA position 987, G replaced by T.
Protein change: p.Met329Ile; replaces methionine 329 with isoleucine.
Molecular consequence: missense variant.
Genome position (GRCh38, 1-based): chr6:133,481,479, G>T. VCF-style: chr6-133481479-G-T. GRCh37 (hg19) VCF-style: chr6-133802617-G-T.
Other names: c.825G>T, p.Met275Ile (NM_001301012.2); c.1005G>T, p.Met335Ile (NM_001301013.2); c.918G>T, p.Met306Ile (NM_001370458.1, NM_172103.4); c.843G>T, p.Met281Ile (NM_001370459.1); c.987G>T, p.Met329Ile (NM_172105.4); short protein forms M329I, M275I, M281I, M306I, M335I.
Identifiers: ClinVar variation 239632 (VCV000239632.50), dbSNP rs146144708, ClinGen allele CA4008218.

ClinVar aggregate classification (germline): Conflicting classifications of pathogenicity. Review status: criteria provided, conflicting classifications (1 of 4 stars). 12 submissions from 11 submitters: Uncertain significance (3); Likely benign (7). 2 of the submissions do not count toward it. Last evaluated 2026-03-17.

Conditions:
EYA4-related disorder. Also called: EYA4-related disorders; EYA4-related condition. Identifiers: MedGen CN239388.
Cardiovascular phenotype. Identifiers: MedGen CN230736.
Autosomal dominant nonsyndromic hearing loss 10. Identifiers: Orphanet 90635, MedGen C1832476, MONDO:0011031, OMIM 601316.
Dilated cardiomyopathy 1J (CMD1J). Also called: CARDIOMYOPATHY, DILATED, WITH SENSORINEURAL HEARING LOSS, AUTOSOMAL DOMINANT. Identifiers: Orphanet 217622, MedGen C1854368, MONDO:0011541, OMIM 605362.

Allele frequency attached by ClinVar (database versions not stated): 1000 Genomes Project 30x 0.00016; gnomAD 0.00019 and 0.00021; 1000 Genomes Project 0.00020; gnomAD exomes 0.00020 and 0.00029; TOPMed 0.00029; ExAC 0.00030; ESP Exome Variant Server 0.00038.
gnomAD v4.1: 348 of 1,613,852 alleles (0.022%); highest among the groups gnomAD compares: Middle Eastern, 0.63%; 2 homozygotes.

Submissions (12):

Women's Health and Genetics/Laboratory Corporation of America, LabCorp
Classification: Likely benign. Last evaluated: 2026-03-17. Review status: criteria provided, single submitter. Criteria: LabCorp Variant Classification Summary - May 2015. Collection method: clinical testing. Allele origin: germline.
Comment: Variant summary: EYA4 c.987G>T (p.Met329Ile) results in a conservative amino acid change in the encoded protein sequence. Algorithms developed to predict the effect of missense changes on protein structure and function all suggest that this variant is likely to be tolerated. The variant allele was found at a frequency of 0.00029 in 250326 control chromosomes. The observed variant frequency exceeds the estimated maximal expected allele frequency for disease-causing variants in EYA4. To our knowledge, no occurrence of c.987G>T in individuals affected with EYA4-related conditions and no experimental evidence demonstrating its impact on protein function have been reported. ClinVar contains an entry for this variant (Variation ID: 239632). Based on the evidence outlined above, the variant was classified as likely benign.

Labcorp Genetics (formerly Invitae), Labcorp
Classification: Uncertain significance for Dilated cardiomyopathy 1J. Last evaluated: 2026-02-03. Review status: criteria provided, single submitter. Criteria: Invitae Variant Classification Sherloc (09022015). Collection method: clinical testing. Allele origin: germline.
Comment: This sequence change replaces methionine, which is neutral and non-polar, with isoleucine, which is neutral and non-polar, at codon 329 of the EYA4 protein (p.Met329Ile). This variant is present in population databases (rs146144708, gnomAD 0.05%), and has an allele count higher than expected for a pathogenic variant. This variant has not been reported in the literature in individuals affected with EYA4-related conditions. ClinVar contains an entry for this variant (Variation ID: 239632). An algorithm developed to predict the effect of missense changes on protein structure and function (PolyPhen-2) suggests that this variant is likely to be tolerated. In summary, the available evidence is currently insufficient to determine the role of this variant in disease. Therefore, it has been classified as a Variant of Uncertain Significance.

Ambry Genetics
Classification: Likely benign for Cardiovascular phenotype. Last evaluated: 2025-01-14. Review status: criteria provided, single submitter. Criteria: Ambry Variant Classification Scheme 2023. Collection method: clinical testing. Allele origin: germline.

PreventionGenetics, part of Exact Sciences
Classification: Likely benign for EYA4-related condition. Last evaluated: 2024-12-31. Review status: criteria provided, single submitter. Criteria: ACMG Guidelines, 2015. Collection method: clinical testing. Allele origin: germline.
Comment: This variant is classified as likely benign based on ACMG/AMP sequence variant interpretation guidelines (Richards et al. 2015 PMID: 25741868, with internal and published modifications).

Blueprint Genetics
Classification: Likely benign. Last evaluated: 2024-10-24. Review status: criteria provided, single submitter. Criteria: ACMG Guidelines, 2015. Collection method: clinical testing. Allele origin: germline.

CeGaT Center for Human Genetics Tuebingen
Classification: Likely benign. Last evaluated: 2023-12-01. Review status: criteria provided, single submitter. Criteria: CeGaT Center For Human Genetics Tuebingen Variant Classification Criteria Version 2. Collection method: clinical testing. Allele origin: germline. Affected: yes. Observed: 1 variant allele.
Comment: EYA4: BP4, BS1

GeneDx
Classification: Likely benign. Last evaluated: 2020-08-24. Review status: criteria provided, single submitter. Criteria: GeneDx Variant Classification Process June 2021. Collection method: clinical testing. Allele origin: germline. Affected: yes.

Laboratory for Molecular Medicine, Mass General Brigham Personalized Medicine
Classification: Likely benign. Last evaluated: 2018-12-27. Review status: criteria provided, single submitter. Criteria: LMM Criteria. Collection method: clinical testing. Allele origin: germline. Observed: 1 variant allele.
Comment: The p.Met329Ile variant in EYA4 is classified as likely benign because it has be en identified in 0.056% (20/35430) of Latino chromosomes by gnomAD and computational prediction tools and conservation analys is suggest that the p.Met329Ile variant may not impact the protein. ACMG/AMP Cri teria applied: BS1, BP4.

Illumina Laboratory Services, Illumina
Classification: Uncertain significance for Autosomal dominant nonsyndromic hearing loss 10. Last evaluated: 2018-01-12. Review status: criteria provided, single submitter. Criteria: ICSL Variant Classification Criteria 13 December 2019. Collection method: clinical testing. Allele origin: germline.

Illumina Laboratory Services, Illumina
Classification: Uncertain significance for Dilated cardiomyopathy 1J. Last evaluated: 2018-01-12. Review status: criteria provided, single submitter. Criteria: ICSL Variant Classification Criteria 13 December 2019. Collection method: clinical testing. Allele origin: germline.

Clinical Genetics DNA and cytogenetics Diagnostics Lab, Erasmus MC, Erasmus Medical Center
Classification: Likely benign. Review status: no assertion criteria provided. Collection method: clinical testing. Allele origin: germline. Affected: yes. Study: VKGL Data-share Consensus. Not counted in ClinVar's aggregate classification.

Genome Diagnostics Laboratory, University Medical Center Utrecht
Classification: Likely benign. Review status: no assertion criteria provided. Collection method: clinical testing. Allele origin: germline. Affected: yes. Study: VKGL Data-share Consensus. Not counted in ClinVar's aggregate classification.